The following is an entry in ClinVar:

ClinVar aggregate classification (germline): Conflicting classifications of pathogenicity. Review status: criteria provided, conflicting classifications (1 of 4 stars). 7 submissions from 7 submitters: Uncertain significance (5); Likely benign (2). Last evaluated 2026-05-03.

Conditions:
Hereditary breast ovarian cancer syndrome. Also called: BRCA1- and BRCA2-Associated Hereditary Breast and Ovarian Cancer; Hereditary breast and ovarian cancer syndrome; Hereditary breast and ovarian cancer; Hereditary breast and ovarian cancer syndrome (HBOC); Hereditary breast and/or ovarian cancer syndrome; Breast and ovarian cancer. Identifiers: Orphanet 145, MedGen C0677776, MeSH D061325, MONDO:0003582. Disease mechanism: loss of function.
Hereditary cancer-predisposing syndrome. Also called: Neoplastic Syndromes, Hereditary; Hereditary neoplastic syndrome; Hereditary Cancer Syndrome; Tumor predisposition. Identifiers: Orphanet 140162, MedGen C0027672, MeSH D009386, MONDO:0015356.

Allele frequency attached by ClinVar (database versions not stated): TOPMed below 0.00001; ExAC 0.00001; gnomAD exomes 0.00001.
gnomAD v4.1: 1 of 1,546,200 alleles (0.000065%); highest among the groups gnomAD compares: Admixed American, 0.0021%; no homozygotes.

Submissions (7):

Women's Health and Genetics/Laboratory Corporation of America, LabCorp
Classification: Uncertain significance. Last evaluated: 2026-05-03. Review status: criteria provided, single submitter. Criteria: LabCorp Variant Classification Summary - May 2015. Collection method: clinical testing. Allele origin: germline.

Labcorp Genetics (formerly Invitae), Labcorp
Classification: Uncertain significance for Hereditary breast ovarian cancer syndrome. Last evaluated: 2025-12-21. Review status: criteria provided, single submitter. Criteria: Invitae Variant Classification Sherloc (09022015). Collection method: clinical testing. Allele origin: germline.
Comment: This sequence change replaces serine, which is neutral and polar, with arginine, which is basic and polar, at codon 1284 of the BRCA2 protein (p.Ser1284Arg). This variant is present in population databases (rs777895333, gnomAD 0.004%). This variant has not been reported in the literature in individuals affected with BRCA2-related conditions. ClinVar contains an entry for this variant (Variation ID: 419881). Invitae Evidence Modeling of protein sequence and biophysical properties (such as structural, functional, and spatial information, amino acid conservation, physicochemical variation, residue mobility, and thermodynamic stability) indicates that this missense variant is not expected to disrupt BRCA2 protein function with a negative predictive value of 95%. In summary, the available evidence is currently insufficient to determine the role of this variant in disease. Therefore, it has been classified as a Variant of Uncertain Significance.

ARUP Laboratories, Molecular Genetics and Genomics, ARUP Laboratories
Classification: Likely benign. Last evaluated: 2025-05-15. Review status: criteria provided, single submitter. Criteria: ARUP Molecular Germline Variant Investigation Process 2024. Collection method: clinical testing. Allele origin: germline.

Ambry Genetics
Classification: Uncertain significance for Hereditary cancer-predisposing syndrome. Last evaluated: 2024-11-03. Review status: criteria provided, single submitter. Criteria: Ambry Variant Classification Scheme 2023. Collection method: clinical testing. Allele origin: germline.
Comment: The p.S1284R variant (also known as c.3852T>G), located in coding exon 10 of the BRCA2 gene, results from a T to G substitution at nucleotide position 3852. The serine at codon 1284 is replaced by arginine, an amino acid with dissimilar properties. This amino acid position is poorly conserved in available vertebrate species. In addition, this alteration is predicted to be tolerated by in silico analysis. Since supporting evidence is limited at this time, the clinical significance of this alteration remains unclear.

University of Washington Department of Laboratory Medicine, University of Washington
Classification: Likely benign for Hereditary cancer-predisposing syndrome. Last evaluated: 2023-03-23. Review status: criteria provided, single submitter. Criteria: Dines et al. (Genet Med. 2020). Collection method: curation. Allele origin: germline.
Comment: Missense variant in a coldspot region where missense variants are very unlikely to be pathogenic (PMID:31911673).

BRCA2 exon 11 coldspot. Reclassification based on statistical prior probability.

Color Diagnostics, LLC DBA Color Health
Classification: Uncertain significance for Hereditary cancer-predisposing syndrome. Last evaluated: 2019-11-12. Review status: criteria provided, single submitter. Criteria: ACMG Guidelines, 2015. Collection method: clinical testing. Allele origin: germline.
Comment: This missense variant replaces serine with arginine at codon 1284 of the BRCA2 protein. Computational prediction tool suggests that this variant may not impact protein structure and function (internally defined REVEL score threshold ≤0.5, PMID: 27666373). Splice site prediction tools suggest that this variant may not impact RNA splicing. To our knowledge, functional studies have not been performed for this variant. This variant has not been reported in individuals affected with hereditary cancer in the literature. This variant has been identified in 1/199436 chromosomes in the general population by the Genome Aggregation Database (gnomAD). The available evidence is insufficient to determine the role of this variant in disease conclusively. Therefore, this variant is classified as a Variant of Uncertain Significance.

GeneDx
Classification: Uncertain significance. Last evaluated: 2016-06-08. Review status: criteria provided, single submitter. Criteria: GeneDx Variant Classification (06012015). Collection method: clinical testing. Allele origin: germline. Affected: yes.
Comment: This variant is denoted BRCA2 c.3852T>G at the cDNA level, p.Ser1284Arg (S1284R) at the protein level, and results in the change of a Serine to an Arginine (AGT>AGG). Using alternate nomenclature, this variant would be defined as BRCA2 4080T>G. This variant has not, to our knowledge, been published in the literature as pathogenic or benign. BRCA2 Ser1284Arg was not observed in approximately 6,400 individuals of European and African American ancestry in the NHLBI Exome Sequencing Project, suggesting it is not a common benign variant in these populations. Since Serine and Arginine differ in some properties, this is considered a semi-conservative amino acid substitution. BRCA2 Ser1284Arg occurs at a position that is not conserved and is located within the RAD51 interaction domain (Roy 2012). In silico analyses predict that this variant is unlikely to alter protein structure or function. Based on currently available evidence, it is unclear whether BRCA2 Ser1284Arg is a pathogenic or benign variant. We consider it to be a variant of uncertain significance.

NM_000059.4(BRCA2):c.3852T>G (p.Ser1284Arg)

Gene: BRCA2 (BRCA2 DNA repair associated; plus strand). Cytogenetic location: 13q13.1.
Variant type: single nucleotide variant.
Coding change: c.3852T>G on transcript NM_000059.4 (MANE Select); coding-DNA position 3852, T replaced by G.
Protein change: p.Ser1284Arg; replaces serine 1284 with arginine.
Molecular consequence: missense variant.
Genome position (GRCh38, 1-based): chr13:32,338,207, T>G. VCF-style: chr13-32338207-T-G. GRCh37 (hg19) VCF-style: chr13-32912344-T-G.
Other names: short protein forms S1284R.
Identifiers: ClinVar variation 419881 (VCV000419881.21), dbSNP rs777895333, ClinGen allele CA6940729.